The following is an entry in ClinVar:

ClinVar aggregate classification (germline): Uncertain significance (1 of 4 stars; one submission).

Conditions:
Pierpont syndrome (PRPTS). Identifiers: Orphanet 487825, MedGen C1865644, MONDO:0011213, OMIM 602342.

Submission:

Labcorp Genetics (formerly Invitae), Labcorp
Classification: Uncertain significance for Pierpont syndrome. Last evaluated: 2022-04-01. Review status: criteria provided, single submitter. Criteria: Invitae Variant Classification Sherloc (09022015). Collection method: clinical testing. Allele origin: germline.
Comment: Algorithms developed to predict the effect of sequence changes on RNA splicing suggest that this variant may create or strengthen a splice site. This variant has not been reported in the literature in individuals affected with TBL1XR1-related conditions. This variant is not present in population databases (gnomAD no frequency). This sequence change affects codon 83 of the TBL1XR1 mRNA. It is a 'silent' change, meaning that it does not change the encoded amino acid sequence of the TBL1XR1 protein. In summary, the available evidence is currently insufficient to determine the role of this variant in disease. Therefore, it has been classified as a Variant of Uncertain Significance.

NM_024665.7(TBL1XR1):c.249G>C (p.Leu83=)

Gene: TBL1XR1 (TBL1X/Y related 1; minus strand). Cytogenetic location: 3q26.32.
Variant type: single nucleotide variant.
Coding change: c.249G>C on transcript NM_024665.7 (MANE Select); coding-DNA position 249, G replaced by C.
Protein change: p.Leu83=; no amino-acid change (leucine 83 retained).
Molecular consequence: synonymous variant. On other transcripts: 5 prime UTR variant (2).
Genome position (GRCh38, 1-based): chr3:177,051,682, C>G on the plus strand (G>C on the coding strand, the complement: TBL1XR1 is on the minus strand). VCF-style: chr3-177051682-C-G. GRCh37 (hg19) VCF-style: chr3-176769470-C-G.
Other names: c.249G>C, p.Leu83= (NM_001321193.3, NM_001321194.3, NM_001374327.1 and 2 more transcripts); c.-13G>C (NM_001321195.3, NM_001374330.1).
Identifiers: ClinVar variation 2150908 (VCV002150908.4), dbSNP rs2473733978, ClinGen allele CA436987343.
Genomic context (GRCh38, chr3:177,051,682, plus strand): 5'-AAGCTTATCTCTATAAGCTTGTTGTCTTGTTTGTACTACATCAGGCATTACGGCATCTAT[C>G]AGGGACAGAGACTCTATTGGTCGACCATCAAACAAGGTACCATCCTGGATTTGGAAAATT-3'
Protein context (NP_078941.2, residues 73-93): FDGRPIESLS[Leu83=]IDAVMPDVVQ